The following is an entry in ClinVar:

NM_016239.4(MYO15A):c.1171_1177dup (p.Tyr393fs)

Gene: MYO15A (myosin XVA; plus strand). Cytogenetic location: 17p11.2.
Variant type: Duplication.
Coding change: c.1171_1177dup on transcript NM_016239.4 (MANE Select); coding-DNA positions 1171 to 1177, 7 bases duplicated (GCCATCT; older notation c.1171_1177dupGCCATCT).
Protein change: p.Tyr393fs; shifts the reading frame from tyrosine 393.
Molecular consequence: frameshift variant.
Genome position (GRCh38, 1-based): chr17:18,119,971-18,119,977, GCCATCT duplicated. VCF-style (leftmost placement, unchanged base first): chr17-18119970-G-GGCCATCT. GRCh37 (hg19) VCF-style: chr17-18023284-G-GGCCATCT.
Other names: NM_016239.4(MYO15A):c.1171_1177dup; p.Tyr393fs; c.1171_1177dupGCCATCT (NM_016239.4); short protein forms Y393fs.
Identifiers: ClinVar variation 623347 (VCV000623347.5), dbSNP rs1567620939, ClinGen allele CA913191112.
Genomic context (GRCh38, chr17:18,119,970, plus strand): 5'-TCCCTACGGAGTCCACTACACCGTCCCCTATGCCGAAGGCGTCTATGGCGGTGGGGACGA[G>GGCCATCT]GCCATCTACCCCCCCGAGGTGCCCTATTTTTACCCGGAGGAGTCGGCTTCGGCCTTTGTG-3'

ClinVar aggregate classification (germline): Pathogenic. Review status: reviewed by expert panel (3 of 4 stars). 4 submissions from 4 submitters: Pathogenic (1). 3 of the submissions do not count toward it. Last evaluated 2021-09-28.

Conditions:
Rare genetic deafness. Identifiers: Orphanet 96210, MedGen C5680250.
Nonsyndromic genetic hearing loss. Also called: Nonsyndromic genetic deafness; Nonsyndromic hearing loss and deafness; Non-syndromic genetic deafness. Identifiers: Orphanet 87884, MedGen C5680182, MONDO:0019497.
Autosomal recessive nonsyndromic hearing loss 3. Also called: NEUROSENSORY NONSYNDROMIC RECESSIVE DEAFNESS 3. Identifiers: Orphanet 90636, MedGen C1838263, MONDO:0010860, OMIM 600316.

Allele frequency attached by ClinVar (database versions not stated): gnomAD exomes below 0.00001.

Submissions (4):

ClinGen Hearing Loss Variant Curation Expert Panel
Classification: Pathogenic for Nonsyndromic genetic hearing loss. Last evaluated: 2021-09-28. Review status: reviewed by expert panel. Criteria: clingen hl acmg specifications otof myo15a v1. Collection method: curation. Allele origin: germline. Inheritance: Autosomal recessive inheritance.
Comment: The c.1171_1177dup (p.Tyr393fs) variant in the MYO15A gene was absent from gnomAD with adequate coverage of the region (PM2_Supporting). This variant is a proposed founder variant in Oman and has been detected in 8 probands with hearing loss in the homozygous state (PM3; PMID: 27734841). This variant has been reported to segregate with hearing loss in at least 3 family members (PP1_Strong; PMID: 27734841). The p.Tyr393fs variant in MYO15A is predicted to cause a premature stop codon in biologically-relevant-exon 2/66 that leads to a truncated or absent protein in a gene in which loss-of-function is an established mechanism (PVS1). In summary, this variant meets criteria to be classified as pathogenic for autosomal recessive hearing loss based on the ACMG/AMP criteria applied, as specified by the Hearing Loss Expert Panel: PM2_Supporting, PP1_Strong, PM3, PVS1.

First Genomix Gene Laboratory, Genetic Diagnostics Department
Classification: Pathogenic for Autosomal recessive nonsyndromic hearing loss 3. Last evaluated: 2025-01-28. Review status: criteria provided, single submitter. Criteria: ACMG Guidelines, 2015. Collection method: clinical testing. Allele origin: germline. Inheritance: Autosomal recessive inheritance. Affected: no. Observed: 1 variant allele. Not counted in ClinVar's aggregate classification.

Laboratory for Molecular Medicine, Mass General Brigham Personalized Medicine
Classification: Pathogenic for Rare genetic deafness. Last evaluated: 2022-08-26. Review status: criteria provided, single submitter. Criteria: ACMG Guidelines, 2015. Collection method: clinical testing. Allele origin: germline. Not counted in ClinVar's aggregate classification.
Comment: The p.Tyr393CysfsX41 variant in MYO15A has been previously reported in 8 Omani individuals with hearing loss who were homozygous for the variant and segregated with hearing loss in at least 3 affected siblings (Palombo 2017 Palombo PMID: 27734841). This variant is absent in large population databases gnomad chromosomes by gnomAD. This variant is predicted to cause a frameshift, which alters the protein’s amino acid sequence beginning at position 393 and leads to a premature termination codon 41 amino acids downstream. This alteration is then predicted to lead to a truncated or absent protein. Loss of function of the MYO15A gene is an established disease mechanism in autosomal recessive hearing loss. In summary, this variant meets criteria to be classified as pathogenic for autosomal recessive hearing loss. ACMG/AMP Criteria applied: PVS1, PM2_Supporting, PM3_Supporting, PP1_Moderate.

Department of Genetics, Sultan Qaboos University Hospital
Classification: Pathogenic for Autosomal recessive nonsyndromic hearing loss 3. Last evaluated: 2017-12-30. Review status: no assertion criteria provided. Collection method: curation. Allele origin: unknown. Affected: yes. Not counted in ClinVar's aggregate classification.

Literature cited by the submitters: PubMed 27734841 (cited by Department of Genetics, Sultan Qaboos University Hospital).